The following is an entry in ClinVar:

NM_000523.4(HOXD13):c.686A>G (p.Tyr229Cys)

Gene: HOXD13 (homeobox D13; plus strand). Cytogenetic location: 2q31.1.
Variant type: single nucleotide variant.
Coding change: c.686A>G on transcript NM_000523.4 (MANE Select); coding-DNA position 686, A replaced by G.
Protein change: p.Tyr229Cys; replaces tyrosine 229 with cysteine.
Molecular consequence: missense variant.
Genome position (GRCh38, 1-based): chr2:176,093,576, A>G. VCF-style: chr2-176093576-A-G. GRCh37 (hg19) VCF-style: chr2-176958304-A-G.
Other names: c.686A>G (NM_000523.3); short protein forms Y229C.
Identifiers: ClinVar variation 3019059 (VCV003019059.4), dbSNP rs577016423, ClinGen allele CA1976643.

ClinVar aggregate classification (germline): Uncertain significance. Review status: criteria provided, multiple submitters, no conflicts (2 of 4 stars). 2 submissions from 2 submitters: Uncertain significance (2). Last evaluated 2024-10-20.

Conditions:
Inborn genetic diseases. Identifiers: MedGen C0950123, MeSH D030342.

Allele frequency attached by ClinVar (database versions not stated): gnomAD exomes 0.00001; TOPMed 0.00002; ExAC 0.00003; gnomAD 0.00003; 1000 Genomes Project 30x 0.00016; 1000 Genomes Project 0.00020.
gnomAD v4.1: 27 of 1,613,840 alleles (0.0017%); highest among the groups gnomAD compares: East Asian, 0.051%; no homozygotes.

Submissions (2):

Ambry Genetics
Classification: Uncertain significance for Inborn genetic diseases. Last evaluated: 2024-10-20. Review status: criteria provided, single submitter. Criteria: Ambry Variant Classification Scheme 2023. Collection method: clinical testing. Allele origin: germline.

Labcorp Genetics (formerly Invitae), Labcorp
Classification: Uncertain significance. Last evaluated: 2024-07-22. Review status: criteria provided, single submitter. Criteria: Invitae Variant Classification Sherloc (09022015). Collection method: clinical testing. Allele origin: germline.
Comment: This sequence change replaces tyrosine, which is neutral and polar, with cysteine, which is neutral and slightly polar, at codon 229 of the HOXD13 protein (p.Tyr229Cys). This variant is present in population databases (rs577016423, gnomAD 0.06%). This variant has not been reported in the literature in individuals affected with HOXD13-related conditions. Advanced modeling of protein sequence and biophysical properties (such as structural, functional, and spatial information, amino acid conservation, physicochemical variation, residue mobility, and thermodynamic stability) performed at Invitae indicates that this missense variant is not expected to disrupt HOXD13 protein function with a negative predictive value of 80%. In summary, the available evidence is currently insufficient to determine the role of this variant in disease. Therefore, it has been classified as a Variant of Uncertain Significance.